The following is an entry in ClinVar:

ClinVar aggregate classification (germline): Uncertain significance. Review status: criteria provided, multiple submitters, no conflicts (2 of 4 stars). 2 submissions from 2 submitters: Uncertain significance (2). Last evaluated 2024-03-06.

Conditions:
Hereditary cancer-predisposing syndrome. Also called: Tumor predisposition; Hereditary neoplastic syndrome; Neoplastic Syndromes, Hereditary; Hereditary Cancer Syndrome. Identifiers: Orphanet 140162, MedGen C0027672, MeSH D009386, MONDO:0015356.
Familial cancer of breast. Also called: hereditary breast carcinoma; BREAST CANCER, FAMILIAL; Hereditary breast cancer. Identifiers: Orphanet 227535, MedGen C0346153, MONDO:0016419, OMIM 114480. Disease mechanism: loss of function.
Fanconi anemia complementation group J. Also called: BRIP1-Related Fanconi Anemia. Identifiers: Orphanet 84, MedGen C1836860, MONDO:0012187, OMIM 609054.

Allele frequency attached by ClinVar (database versions not stated): gnomAD exomes below 0.00001 and 0.00001; ExAC 0.00001.
gnomAD v4.1: 4 of 1,613,508 alleles (0.00025%); highest among the groups gnomAD compares: South Asian, 0.0044%; no homozygotes.

Submissions (2):

Color Diagnostics, LLC DBA Color Health
Classification: Uncertain significance for Hereditary cancer-predisposing syndrome. Last evaluated: 2024-03-06. Review status: criteria provided, single submitter. Criteria: ACMG Guidelines, 2015. Collection method: clinical testing. Allele origin: germline.
Comment: This missense variant replaces alanine with valine at codon 406 of the BRIP1 protein. Computational prediction suggests that this variant may not impact protein structure and function (internally defined REVEL score threshold <= 0.5, PMID: 27666373). To our knowledge, functional studies have not been reported for this variant. This variant has not been reported in individuals affected with hereditary cancer in the literature. This variant has been identified in 2/251050 chromosomes in the general population by the Genome Aggregation Database (gnomAD). The available evidence is insufficient to determine the role of this variant in disease conclusively. Therefore, this variant is classified as a Variant of Uncertain Significance.

Labcorp Genetics (formerly Invitae), Labcorp
Classification: Uncertain significance for Familial cancer of breast; Fanconi anemia complementation group J. Last evaluated: 2023-10-30. Review status: criteria provided, single submitter. Criteria: Invitae Variant Classification Sherloc (09022015). Collection method: clinical testing. Allele origin: germline.
Comment: This sequence change replaces alanine, which is neutral and non-polar, with valine, which is neutral and non-polar, at codon 406 of the BRIP1 protein (p.Ala406Val). This variant is present in population databases (rs767872861, gnomAD 0.006%). This variant has not been reported in the literature in individuals affected with BRIP1-related conditions. ClinVar contains an entry for this variant (Variation ID: 941364). Advanced modeling of protein sequence and biophysical properties (such as structural, functional, and spatial information, amino acid conservation, physicochemical variation, residue mobility, and thermodynamic stability) performed at Invitae indicates that this missense variant is not expected to disrupt BRIP1 protein function with a negative predictive value of 80%. Algorithms developed to predict the effect of sequence changes on RNA splicing suggest that this variant may create or strengthen a splice site. In summary, the available evidence is currently insufficient to determine the role of this variant in disease. Therefore, it has been classified as a Variant of Uncertain Significance.

NM_032043.3(BRIP1):c.1217C>T (p.Ala406Val)

Gene: BRIP1 (BRCA1 interacting DNA helicase 1; minus strand). Cytogenetic location: 17q23.2.
Variant type: single nucleotide variant.
Coding change: c.1217C>T on transcript NM_032043.3 (MANE Select); coding-DNA position 1217, C replaced by T.
Protein change: p.Ala406Val; replaces alanine 406 with valine.
Molecular consequence: missense variant.
Genome position (GRCh38, 1-based): chr17:61,799,223, G>A on the plus strand (C>T on the coding strand, the complement: BRIP1 is on the minus strand). VCF-style: chr17-61799223-G-A. GRCh37 (hg19) VCF-style: chr17-59876584-G-A.
Other names: short protein forms A406V.
Identifiers: ClinVar variation 941364 (VCV000941364.14), dbSNP rs767872861, ClinGen allele CA8690775.